The following is an entry in ClinVar:

ClinVar aggregate classification (germline): Pathogenic (1 of 4 stars; one submission).

Conditions:
Cerebrooculofacioskeletal syndrome 1 (COFS1). Also called: Cerebro-oculo-facio-skeletal syndrome 1. Identifiers: MedGen C0220722, MONDO:0008955, OMIM 214150.
Cockayne syndrome type 2 (CSB). Also called: Cockayne Syndrome, Type II; COCKAYNE SYNDROME B. Identifiers: Orphanet 191, Orphanet 90322, MedGen C0751038, MONDO:0019570, OMIM 133540.
DE SANCTIS-CACCHIONE SYNDROME. Identifiers: MedGen C0265201, MONDO:0010217, OMIM 278800.

Submission:

Diagnostics Services (NGS), CSIR - Centre For Cellular And Molecular Biology
Classification: Pathogenic for Cerebrooculofacioskeletal syndrome 1; Cockayne syndrome type 2; DE SANCTIS-CACCHIONE SYNDROME. Last evaluated: 2023-02-24. Review status: criteria provided, single submitter. Criteria: ACMG Guidelines, 2015. Collection method: clinical testing. Allele origin: germline. Affected: yes. Observed: 1 variant allele, 1 homozygote.
Comment: The c.22delC variant is not present in publicly available population databases like 1000 Genomes, ExAC, EVS, Indian Exome Database or our in-house exome database. The variant has neither been published in literature nor reported to clinical databases like in ClinVar, Human Gene Mutation Database (HGMD) or OMIM, in any affected individuals. In silico pathogenicity prediction programs like MutationTaster2, CADD, Varsome, Franklin etc predicted this variant to be likely deleterious. This variant causes frameshift at the 8th amino acid position of the wild-type transcript which creates a premature translational stop signal in the altered transcript that may either result in translation of a truncated protein or cause nonsense-mediated decay of the mRNA.

NM_000124.4(ERCC6):c.22del (p.His8fs)

Gene: ERCC6 (ERCC excision repair 6, chromatin remodeling factor; minus strand). Cytogenetic location: 10q11.23.
Variant type: Deletion.
Coding change: c.22del on transcript NM_000124.4 (MANE Select); coding-DNA position 22, one base deleted (C; older notation c.22delC).
Protein change: p.His8fs; shifts the reading frame from histidine 8.
Molecular consequence: frameshift variant.
Genome position (GRCh38, 1-based): chr10:49,532,943, G deleted on the plus strand (C on the coding strand, the reverse complement: ERCC6 is on the minus strand); the first of 5 consecutive G bases (chr10:49,532,943-49,532,947); deleting any one gives the same sequence. VCF-style (leftmost placement, unchanged base first): chr10-49532942-TG-T. GRCh37 (hg19) VCF-style: chr10-50740988-TG-T.
Other names: c.22del, p.His8fs (NM_001277058.2, NM_001277059.2, NM_001346440.2); short protein forms H8fs.
Identifiers: ClinVar variation 2430381 (VCV002430381.3), dbSNP rs2496175399, ClinGen allele CA2580081575.